The following is an entry in ClinVar:

ClinVar aggregate classification (germline): Uncertain significance (1 of 4 stars; one submission).

Allele frequency attached by ClinVar (database versions not stated): gnomAD 0.00001; TOPMed 0.00001.
gnomAD v4.1: 1 of 1,613,926 alleles (0.000062%); highest among the groups gnomAD compares: African/African-American, 0.0013%; no homozygotes.

Submission:

Labcorp Genetics (formerly Invitae), Labcorp
Classification: Uncertain significance. Last evaluated: 2021-07-09. Review status: criteria provided, single submitter. Criteria: Invitae Variant Classification Sherloc (09022015). Collection method: clinical testing. Allele origin: germline.
Comment: This sequence change replaces glutamic acid with aspartic acid at codon 469 of the CUL7 protein (p.Glu469Asp). The glutamic acid residue is moderately conserved and there is a small physicochemical difference between glutamic acid and aspartic acid. This variant is not present in population databases (ExAC no frequency). This variant has not been reported in the literature in individuals with CUL7-related conditions. Algorithms developed to predict the effect of missense changes on protein structure and function (SIFT, PolyPhen-2, Align-GVGD) all suggest that this variant is likely to be tolerated, but these predictions have not been confirmed by published functional studies and their clinical significance is uncertain. In summary, the available evidence is currently insufficient to determine the role of this variant in disease. Therefore, it has been classified as a Variant of Uncertain Significance.

NM_014780.5(CUL7):c.1407A>C (p.Glu469Asp)

Gene: CUL7 (cullin 7; minus strand). Cytogenetic location: 6p21.1.
Variant type: single nucleotide variant.
Coding change: c.1407A>C on transcript NM_014780.5 (MANE Select); coding-DNA position 1407, A replaced by C.
Protein change: p.Glu469Asp; replaces glutamic acid 469 with aspartic acid.
Molecular consequence: missense variant.
Genome position (GRCh38, 1-based): chr6:43,050,125, T>G on the plus strand (A>C on the coding strand, the complement: CUL7 is on the minus strand). VCF-style: chr6-43050125-T-G. GRCh37 (hg19) VCF-style: chr6-43017863-T-G.
Other names: c.1503A>C, p.Glu501Asp (NM_001168370.2, NM_001374872.1); c.1407A>C, p.Glu469Asp (NM_001374873.1, NM_001374874.1); short protein forms E469D, E501D.
Identifiers: ClinVar variation 1362187 (VCV001362187.8), dbSNP rs1317926650, ClinGen allele CA364223700.